The following is an entry in ClinVar:

ClinVar aggregate classification (germline): Uncertain significance (1 of 4 stars; one submission).

Conditions:
Melanoma, cutaneous malignant, susceptibility to, 5. Also called: Cutaneous malignant melanoma 5. Identifiers: Orphanet 618, MedGen C2751295, MONDO:0013133, OMIM 613099.

Allele frequency attached by ClinVar (database versions not stated): gnomAD 0.00001; ExAC 0.00008; ESP Exome Variant Server 0.00017.

Submission:

Labcorp Genetics (formerly Invitae), Labcorp
Classification: Uncertain significance for Melanoma, cutaneous malignant, susceptibility to, 5. Last evaluated: 2025-10-19. Review status: criteria provided, single submitter. Criteria: Invitae Variant Classification Sherloc (09022015). Collection method: clinical testing. Allele origin: germline.
Comment: This sequence change replaces glycine, which is neutral and non-polar, with aspartic acid, which is acidic and polar, at codon 12 of the MC1R protein (p.Gly12Asp). This variant is present in population databases (rs373990019, gnomAD 0.007%). This variant has not been reported in the literature in individuals affected with MC1R-related conditions. ClinVar contains an entry for this variant (Variation ID: 1418075). An algorithm developed to predict the effect of missense changes on protein structure and function (PolyPhen-2) suggests that this variant is likely to be tolerated. In summary, the available evidence is currently insufficient to determine the role of this variant in disease. Therefore, it has been classified as a Variant of Uncertain Significance.

NM_002386.4(MC1R):c.35G>A (p.Gly12Asp)

Gene: MC1R (melanocortin 1 receptor; plus strand). Cytogenetic location: 16q24.3.
Variant type: single nucleotide variant.
Coding change: c.35G>A on transcript NM_002386.4 (MANE Select); coding-DNA position 35, G replaced by A.
Protein change: p.Gly12Asp; replaces glycine 12 with aspartic acid.
Molecular consequence: missense variant.
Genome position (GRCh38, 1-based): chr16:89,919,293, G>A. VCF-style: chr16-89919293-G-A. GRCh37 (hg19) VCF-style: chr16-89985701-G-A.
Other names: short protein forms G12D.
Identifiers: ClinVar variation 1418075 (VCV001418075.6), dbSNP rs373990019, ClinGen allele CA8255464.
Genomic context (GRCh38, chr16:89,919,293, plus strand): 5'-CTCCTTCCTGCTTCCTGGACAGGACTATGGCTGTGCAGGGATCCCAGAGAAGACTTCTGG[G>A]CTCCCTCAACTCCACCCCCACAGCCATCCCCCAGCTGGGGCTGGCTGCCAACCAGACAGG-3'
Protein context (NP_002377.4, residues 2-22): AVQGSQRRLL[Gly12Asp]SLNSTPTAIP